The following is an entry in ClinVar:

ClinVar aggregate classification (germline): Uncertain significance. Review status: criteria provided, single submitter (1 of 4 stars). 2 submissions from 2 submitters: Uncertain significance (1). 1 of the submissions does not count toward it. Last evaluated 2025-08-30.

Conditions:
NOD2-related disorder. Also called: NOD2-related condition.
Regional enteritis. Also called: Enteritis, Granulomatous. Identifiers: MedGen C0678202, MeSH D003424.
Blau syndrome (BLAUS). Also called: GRANULOMATOSIS, FAMILIAL JUVENILE SYSTEMIC; GRANULOMATOSIS, FAMILIAL, BLAU TYPE; GRANULOMATOUS INFLAMMATORY ARTHRITIS, DERMATITIS, AND UVEITIS, FAMILIAL; JABS SYNDROME; ARTHROCUTANEOUVEAL GRANULOMATOSIS. Identifiers: Orphanet 90340, MedGen C5201146, MONDO:0008523, OMIM 186580.

Allele frequency attached by ClinVar (database versions not stated): ExAC 0.00003; gnomAD exomes 0.00003; gnomAD 0.00011 and 0.00014; TOPMed 0.00017.
gnomAD v4.1: 65 of 1,613,270 alleles (0.004%); highest among the groups gnomAD compares: African/African-American, 0.027%; no homozygotes.

Submissions (2):

Labcorp Genetics (formerly Invitae), Labcorp
Classification: Uncertain significance for Regional enteritis; Blau syndrome. Last evaluated: 2025-08-30. Review status: criteria provided, single submitter. Criteria: Invitae Variant Classification Sherloc (09022015). Collection method: clinical testing. Allele origin: germline.
Comment: This sequence change replaces arginine, which is basic and polar, with cysteine, which is neutral and slightly polar, at codon 716 of the NOD2 protein (p.Arg716Cys). This variant is present in population databases (rs776025574, gnomAD 0.02%). This variant has not been reported in the literature in individuals affected with NOD2-related conditions. ClinVar contains an entry for this variant (Variation ID: 1004616). Invitae Evidence Modeling of protein sequence and biophysical properties (such as structural, functional, and spatial information, amino acid conservation, physicochemical variation, residue mobility, and thermodynamic stability) indicates that this missense variant is not expected to disrupt NOD2 protein function with a negative predictive value of 95%. In summary, the available evidence is currently insufficient to determine the role of this variant in disease. Therefore, it has been classified as a Variant of Uncertain Significance.

PreventionGenetics, part of Exact Sciences
Classification: Uncertain significance for NOD2-related condition. Last evaluated: 2024-08-31. Review status: no assertion criteria provided. Collection method: clinical testing. Allele origin: germline. Not counted in ClinVar's aggregate classification.
Comment: The NOD2 c.2146C>T variant is predicted to result in the amino acid substitution p.Arg716Cys. To our knowledge, this variant has not been reported in the literature. This variant is reported in 0.024% of alleles in individuals of African descent in gnomAD. At this time, the clinical significance of this variant is uncertain due to the absence of conclusive functional and genetic evidence.

NM_001370466.1(NOD2):c.2065C>T (p.Arg689Cys)

Gene: NOD2 (nucleotide binding oligomerization domain containing 2; plus strand). Cytogenetic location: 16q12.1.
Variant type: single nucleotide variant.
Coding change: c.2065C>T on transcript NM_001370466.1 (MANE Select); coding-DNA position 2065, C replaced by T.
Protein change: p.Arg689Cys; replaces arginine 689 with cysteine.
Molecular consequence: missense variant. On other transcripts: non-coding transcript variant (1).
Genome position (GRCh38, 1-based): chr16:50,712,057, C>T. VCF-style: chr16-50712057-C-T. GRCh37 (hg19) VCF-style: chr16-50745968-C-T.
Other names: c.2065C>T, p.Arg689Cys (NM_001293557.2); c.2146C>T, p.Arg716Cys (NM_022162.3); c.2146C>T (NM_022162.2); short protein forms R689C, R716C.
Identifiers: ClinVar variation 1004616 (VCV001004616.8), dbSNP rs776025574, ClinGen allele CA8051706.